The following is an entry in ClinVar:

ClinVar aggregate classification (germline): Uncertain significance (1 of 4 stars; one submission).

Submission:

Ambry Genetics
Classification: Uncertain significance. Last evaluated: 2024-08-03. Review status: criteria provided, single submitter. Criteria: Ambry Variant Classification Scheme 2023. Collection method: clinical testing. Allele origin: germline.
Comment: The p.P515T variant (also known as c.1543C>A), located in coding exon 1 of the MLH3 gene, results from a C to A substitution at nucleotide position 1543. The proline at codon 515 is replaced by threonine, an amino acid with highly similar properties. This amino acid position is conserved. In addition, this alteration is predicted to be tolerated by in silico analysis. Based on the available evidence, the clinical significance of this variant remains unclear.

NM_001040108.2(MLH3):c.1543C>A (p.Pro515Thr)

Gene: MLH3 (mutL homolog 3; minus strand). Cytogenetic location: 14q24.3.
Variant type: single nucleotide variant.
Coding change: c.1543C>A on transcript NM_001040108.2 (MANE Select); coding-DNA position 1543, C replaced by A.
Protein change: p.Pro515Thr; replaces proline 515 with threonine.
Molecular consequence: missense variant.
Genome position (GRCh38, 1-based): chr14:75,048,113, G>T on the plus strand (C>A on the coding strand, the complement: MLH3 is on the minus strand). VCF-style: chr14-75048113-G-T. GRCh37 (hg19) VCF-style: chr14-75514816-G-T.
Other names: c.1543C>A, p.Pro515Thr (NM_014381.3); short protein forms P515T.
Identifiers: ClinVar variation 3396682 (VCV003396682.1).